The following is an entry in ClinVar:

ClinVar aggregate classification (germline): Uncertain significance (1 of 4 stars; one submission).

Conditions:
Dilated cardiomyopathy 1W (CMD1W). Identifiers: Orphanet 154, MedGen C1969639, MONDO:0012667, OMIM 611407.

Allele frequency attached by ClinVar (database versions not stated): gnomAD exomes below 0.00001.
gnomAD v4.1: 1 of 1,614,140 alleles (0.000062%); highest among the groups gnomAD compares: Non-Finnish European, 0.000085%; no homozygotes.

Submission:

Labcorp Genetics (formerly Invitae), Labcorp
Classification: Uncertain significance for Dilated cardiomyopathy 1W. Last evaluated: 2023-06-25. Review status: criteria provided, single submitter. Criteria: Invitae Variant Classification Sherloc (09022015). Collection method: clinical testing. Allele origin: germline.
Comment: In summary, the available evidence is currently insufficient to determine the role of this variant in disease. Therefore, it has been classified as a Variant of Uncertain Significance. An algorithm developed to predict the effect of missense changes on protein structure and function (PolyPhen-2) suggests that this variant is likely to be disruptive. This variant has not been reported in the literature in individuals affected with VCL-related conditions. This variant is not present in population databases (gnomAD no frequency). This sequence change replaces aspartic acid, which is acidic and polar, with tyrosine, which is neutral and polar, at codon 156 of the VCL protein (p.Asp156Tyr).

NM_014000.3(VCL):c.466G>T (p.Asp156Tyr)

Gene: VCL (vinculin; plus strand). Cytogenetic location: 10q22.2.
Variant type: single nucleotide variant.
Coding change: c.466G>T on transcript NM_014000.3 (MANE Select); coding-DNA position 466, G replaced by T.
Protein change: p.Asp156Tyr; replaces aspartic acid 156 with tyrosine.
Molecular consequence: missense variant.
Genome position (GRCh38, 1-based): chr10:74,071,050, G>T. VCF-style: chr10-74071050-G-T. GRCh37 (hg19) VCF-style: chr10-75830808-G-T.
Other names: c.466G>T, p.Asp156Tyr (NM_003373.4); short protein forms D156Y.
Identifiers: ClinVar variation 2729094 (VCV002729094.3), dbSNP rs2549212330, ClinGen allele CA377266683.